The following is an entry in ClinVar:

ClinVar aggregate classification (germline): Pathogenic (1 of 4 stars; one submission).

Conditions:
Congenital adrenal hyperplasia due to cytochrome P450 oxidoreductase deficiency. Also called: DISORDERED STEROIDOGENESIS DUE TO POR DEFICIENCY. Identifiers: Orphanet 95699, MedGen C1860042, MONDO:0013310, OMIM 613571.

Submission:

Labcorp Genetics (formerly Invitae), Labcorp
Classification: Pathogenic for Congenital adrenal hyperplasia due to cytochrome P450 oxidoreductase deficiency. Last evaluated: 2023-03-01. Review status: criteria provided, single submitter. Criteria: Invitae Variant Classification Sherloc (09022015). Collection method: clinical testing. Allele origin: germline.
Comment: This sequence change creates a premature translational stop signal (p.Phe279Leufs*17) in the POR gene. It is expected to result in an absent or disrupted protein product. Loss-of-function variants in POR are known to be pathogenic (PMID: 14758361, 20732302, 21741353). This variant is not present in population databases (gnomAD no frequency). This variant has not been reported in the literature in individuals affected with POR-related conditions. For these reasons, this variant has been classified as Pathogenic.

Literature cited by the submitters: PubMed 14758361; PubMed 20732302; PubMed 21741353.

NM_001395413.1(POR):c.828del (p.Phe276fs)

Genes: POR (cytochrome p450 oxidoreductase; plus strand), LOC126860075 (CDK7 strongly-dependent group 2 enhancer GRCh37_chr7:75612087-75613286; plus strand). Cytogenetic location: 7q11.23.
Variant type: Deletion.
Coding change: c.828del on transcript NM_001395413.1 (MANE Select); coding-DNA position 828, one base deleted (T; older notation c.828delT).
Protein change: p.Phe276fs; shifts the reading frame from phenylalanine 276.
Molecular consequence: frameshift variant.
Genome position (GRCh38, 1-based): chr7:75,983,526, T deleted; the last of 3 consecutive T bases (chr7:75,983,524-75,983,526); deleting any one gives the same sequence. VCF-style (leftmost placement, unchanged base first): chr7-75983523-CT-C. GRCh37 (hg19) VCF-style: chr7-75612841-CT-C.
Other names: c.837delT, p.Phe279Leufs (NM_000941.2, NM_000941.3); c.828del, p.Phe276fs (NM_001367562.3, NM_001382657.2, NM_001382658.3 and 2 more transcripts); c.882del, p.Phe294fs (NM_001382655.3); short protein forms F276fs, F294fs.
Identifiers: ClinVar variation 2972070 (VCV002972070.3), dbSNP rs2535392949, ClinGen allele CA2578915566.